The following is an entry in ClinVar:

NM_003242.6(TGFBR2):c.103G>A (p.Asp35Asn)

Gene: TGFBR2 (transforming growth factor beta receptor 2; plus strand). Cytogenetic location: 3p24.1.
Variant type: single nucleotide variant.
Coding change: c.103G>A on transcript NM_003242.6 (MANE Select); coding-DNA position 103, G replaced by A.
Protein change: p.Asp35Asn; replaces aspartic acid 35 with asparagine.
Molecular consequence: missense variant.
Genome position (GRCh38, 1-based): chr3:30,644,755, G>A. VCF-style: chr3-30644755-G-A. GRCh37 (hg19) VCF-style: chr3-30686247-G-A.
Other names: c.103G>A, p.Asp35Asn (NM_001407127.1, NM_001407130.1); c.130G>A, p.Asp44Asn (NM_001407128.1); c.-3G>A (NM_001407129.1, NM_001407132.1, NM_001407133.1 and 3 more transcripts); c.178G>A, p.Asp60Asn (NM_001407139.1, NM_001024847.3, NM_001407126.1); short protein forms D60N, D35N, D44N.
Identifiers: ClinVar variation 921249 (VCV000921249.14), dbSNP rs984098699, ClinGen allele CA71499877.

ClinVar aggregate classification (germline): Conflicting classifications of pathogenicity. Review status: criteria provided, conflicting classifications (1 of 4 stars). 6 submissions from 6 submitters: Uncertain significance (4); Likely benign (2). Last evaluated 2026-07-02.

Conditions:
Diabetic retinopathy. Identifiers: MedGen C0011884, MONDO:0005266.
Loeys-Dietz syndrome 2 (LDS2). Also called: TGFBR2-Related Loeys-Dietz Syndrome; AORTIC ANEURYSM, FAMILIAL THORACIC 3; MARFAN SYNDROME, TYPE II; Marfan Syndrome type 2; Marfan like connective tissue disorder; MFS 2. Identifiers: Orphanet 284973, Orphanet 558, MedGen C2674574, MONDO:0012427, OMIM 610168.
Familial thoracic aortic aneurysm and aortic dissection (TAAD). Also called: Thoracic aortic aneurysms and dissections. Identifiers: Orphanet 91387, MedGen C4707243, MONDO:0019625.

Allele frequency attached by ClinVar (database versions not stated): gnomAD exomes below 0.00001; TOPMed 0.00001.
gnomAD v4.1: 11 of 1,613,964 alleles (0.00068%); highest among the groups gnomAD compares: African/African-American, 0.0027%; no homozygotes.

Submissions (6):

Ambry Genetics
Classification: Uncertain significance for Familial thoracic aortic aneurysm and aortic dissection. Last evaluated: 2026-07-02. Review status: criteria provided, single submitter. Criteria: Ambry Variant Classification Scheme 2023. Collection method: clinical testing. Allele origin: germline.
Comment: The p.D60N variant (also known as c.178G>A), located in coding exon 3 of the TGFBR2 gene, results from a G to A substitution at nucleotide position 178. The aspartic acid at codon 60 is replaced by asparagine, an amino acid with highly similar properties. This amino acid position is conserved. In addition, this alteration is predicted to be tolerated by in silico analysis. Based on the available evidence, the clinical significance of this variant remains unclear.

Color Diagnostics, LLC DBA Color Health
Classification: Likely benign for Familial thoracic aortic aneurysm and aortic dissection. Last evaluated: 2025-01-06. Review status: criteria provided, single submitter. Criteria: ACMG Guidelines, 2015. Collection method: clinical testing. Allele origin: germline.

All of Us Research Program, National Institutes of Health
Classification: Uncertain significance for Loeys-Dietz syndrome 2. Last evaluated: 2023-12-18. Review status: criteria provided, single submitter. Criteria: ACMG Guidelines, 2015. Collection method: clinical testing. Allele origin: germline. Inheritance: Autosomal dominant inheritance. Observed: 3 variant alleles, 3 heterozygotes.
Comment: This missense variant replaces aspartic acid with asparagine at codon 35 of the TGFBR2 protein. Computational prediction tool suggests that this variant may not impact protein structure and function (internally defined REVEL score threshold <=0.5, PMID: 27666373). Splice site prediction tools suggest that this variant may not impact RNA splicing. To our knowledge, functional studies have not been performed for this variant. This variant has not been reported in individuals affected with cardiovascular disorders in the literature. This variant has been identified in 1/250926 chromosomes in the general population by the Genome Aggregation Database (gnomAD). The available evidence is insufficient to determine the role of this variant in disease conclusively. Therefore, this variant is classified as a Variant of Uncertain Significance.

This study involves interpretation of variants in research participants for the purpose of population health screening. Participant phenotype was not available at the time of variant classification. Additional details can be found in publication PMID: 35346344, PMCID: PMC8962531

Women's Health and Genetics/Laboratory Corporation of America, LabCorp
Classification: Uncertain significance. Last evaluated: 2023-07-05. Review status: criteria provided, single submitter. Criteria: LabCorp Variant Classification Summary - May 2015. Collection method: clinical testing. Allele origin: germline.
Comment: Variant summary: TGFBR2 c.103G>A (p.Asp35Asn) results in a conservative amino acid change in the encoded protein sequence. Five of five in-silico tools predict a benign effect of the variant on protein function. The variant allele was found at a frequency of 4e-06 in 250926 control chromosomes (i.e., 1 heterozygote; gnomAD v2.1, Exomes dataset). The available data on variant occurrences in the general population are insufficient to allow any conclusion about variant significance. To our knowledge, no occurrence of c.103G>A in individuals affected with Loeys-Dietz Syndrome and no experimental evidence demonstrating its impact on protein function have been reported. Two submitters have reported clinical-significance assessments for this variant to ClinVar after 2014. Both submitters classified the variant as uncertain significance. Based on the evidence outlined above, the variant was classified as uncertain significance.

Labcorp Genetics (formerly Invitae), Labcorp
Classification: Uncertain significance for Familial thoracic aortic aneurysm and aortic dissection. Last evaluated: 2023-03-20. Review status: criteria provided, single submitter. Criteria: Invitae Variant Classification Sherloc (09022015). Collection method: clinical testing. Allele origin: germline.
Comment: This sequence change replaces aspartic acid, which is acidic and polar, with asparagine, which is neutral and polar, at codon 35 of the TGFBR2 protein (p.Asp35Asn). This variant is present in population databases (no rsID available, gnomAD 0.007%). In summary, the available evidence is currently insufficient to determine the role of this variant in disease. Therefore, it has been classified as a Variant of Uncertain Significance. Advanced modeling of protein sequence and biophysical properties (such as structural, functional, and spatial information, amino acid conservation, physicochemical variation, residue mobility, and thermodynamic stability) performed at Invitae indicates that this missense variant is not expected to disrupt TGFBR2 protein function. ClinVar contains an entry for this variant (Variation ID: 921249). This variant has not been reported in the literature in individuals affected with TGFBR2-related conditions.

Clinical Genomics, Uppaluri K&H Personalized Medicine Clinic
Classification: Likely benign for Diabetic retinopathy. Review status: criteria provided, single submitter. Criteria: K And H Uppaluri Personalized Medicine Clinic Variant Classification And Assertion Criteria Updated V 2. Collection method: research. Allele origin: unknown.
Comment: Potent mutations in TGFBR2 gene encodes the transforming growth factor that have been associated with angiogenesis and diabetic retinopathy. More clinical studies are needed for stronger association. However, more evidence is required to confer the association of this particular variant rs984098699 with diabetic retinopathy.

Literature cited by the submitters: PubMed 30222965 (cited by Clinical Genomics, Uppaluri K&H Personalized Medicine Clinic); PubMed 28162229 (cited by Clinical Genomics, Uppaluri K&H Personalized Medicine Clinic); PubMed 34572573 (cited by Clinical Genomics, Uppaluri K&H Personalized Medicine Clinic).